The following is an entry in ClinVar:

Single allele

Gene: ARSB (arylsulfatase B; minus strand). Cytogenetic location: 5q14.1.
Variant type: Complex.
Identifiers: ClinVar variation 1343391 (VCV001343391.2).

ClinVar aggregate classification (germline): Likely pathogenic (1 of 4 stars; one submission).

Conditions:
Mucopolysaccharidosis type 6 (MPS6). Also called: MPS 6; Maroteaux Lamy syndrome; MPS VI; ARSB DEFICIENCY; ARYLSULFATASE B DEFICIENCY; N-ACETYLGALACTOSAMINE-4-SULFATASE DEFICIENCY. Identifiers: Orphanet 583, MedGen C0026709, MONDO:0009661, OMIM 253200.

Submission:

Laboratory of Inherited Metabolic Diseases, Research centre for medical genetics
Classification: Likely pathogenic for Mucopolysaccharidosis type 6. Review status: criteria provided, single submitter. Criteria: ACMG Guidelines, 2015. Collection method: research. Allele origin: germline. Affected: yes. Observed: 1 variant allele, 1 compound heterozygote.
Comment: The ARSB mRNA analysis demonstrated the premature transcription termination after the exon 4. Identified in-trans with the c.966G>A (p.Trp322Ter) pathogenic variant.